The following is an entry in ClinVar:

NM_002900.3(RBP3):c.1271C>T (p.Ala424Val)

Gene: RBP3 (retinol binding protein 3; plus strand). Cytogenetic location: 10q11.22.
Variant type: single nucleotide variant.
Coding change: c.1271C>T on transcript NM_002900.3 (MANE Select); coding-DNA position 1271, C replaced by T.
Protein change: p.Ala424Val; replaces alanine 424 with valine.
Molecular consequence: missense variant.
Genome position (GRCh38, 1-based): chr10:47,349,755, C>T. VCF-style: chr10-47349755-C-T. GRCh37 (hg19) VCF-style: chr10-48389607-G-A.
Other names: short protein forms A424V.
Identifiers: ClinVar variation 842901 (VCV000842901.10), dbSNP rs139515510, ClinGen allele CA5487562.

ClinVar aggregate classification (germline): Uncertain significance. Review status: criteria provided, multiple submitters, no conflicts (2 of 4 stars). 3 submissions from 3 submitters: Uncertain significance (3). Last evaluated 2025-01-15.

Conditions:
Inborn genetic diseases. Identifiers: MedGen C0950123, MeSH D030342.

Allele frequency attached by ClinVar (database versions not stated): gnomAD exomes 0.00002 and 0.00004; ExAC 0.00005; gnomAD 0.00011 and 0.00013; TOPMed 0.00012; ESP Exome Variant Server 0.00015.
gnomAD v4.1: 41 of 1,612,842 alleles (0.0025%); highest among the groups gnomAD compares: African/African-American, 0.053%; no homozygotes.

Submissions (3):

Labcorp Genetics (formerly Invitae), Labcorp
Classification: Uncertain significance. Last evaluated: 2025-01-15. Review status: criteria provided, single submitter. Criteria: Invitae Variant Classification Sherloc (09022015). Collection method: clinical testing. Allele origin: germline.
Comment: This sequence change replaces alanine, which is neutral and non-polar, with valine, which is neutral and non-polar, at codon 424 of the RBP3 protein (p.Ala424Val). This variant is present in population databases (rs139515510, gnomAD 0.06%). This variant has not been reported in the literature in individuals affected with RBP3-related conditions. ClinVar contains an entry for this variant (Variation ID: 842901). Invitae Evidence Modeling of protein sequence and biophysical properties (such as structural, functional, and spatial information, amino acid conservation, physicochemical variation, residue mobility, and thermodynamic stability) indicates that this missense variant is not expected to disrupt RBP3 protein function with a negative predictive value of 80%. In summary, the available evidence is currently insufficient to determine the role of this variant in disease. Therefore, it has been classified as a Variant of Uncertain Significance.

Ambry Genetics
Classification: Uncertain significance for Inborn genetic diseases. Last evaluated: 2022-12-28. Review status: criteria provided, single submitter. Criteria: Ambry Variant Classification Scheme 2023. Collection method: clinical testing. Allele origin: germline.

Blueprint Genetics
Classification: Uncertain significance. Last evaluated: 2022-09-01. Review status: criteria provided, single submitter. Criteria: ACMG Guidelines, 2015. Collection method: clinical testing. Allele origin: germline.